The following is an entry in ClinVar:

NM_006648.4(WNK2):c.2368C>G (p.Gln790Glu)

Gene: WNK2 (WNK lysine deficient protein kinase 2; plus strand). Cytogenetic location: 9q22.31.
Variant type: single nucleotide variant.
Coding change: c.2368C>G on transcript NM_006648.4 (MANE Select); coding-DNA position 2368, C replaced by G.
Protein change: p.Gln790Glu; replaces glutamine 790 with glutamic acid.
Molecular consequence: missense variant.
Genome position (GRCh38, 1-based): chr9:93,257,125, C>G. VCF-style: chr9-93257125-C-G. GRCh37 (hg19) VCF-style: chr9-96019407-C-G.
Other names: c.2368C>G, p.Gln790Glu (NM_001282394.3); short protein forms Q790E.
Identifiers: ClinVar variation 3816442 (VCV003816442.1).
Genomic context (GRCh38, chr9:93,257,125, plus strand): 5'-GGGGCCCCCGCTCAGCTGAAGCCCCTCCAGATGCCACAGGCGCCCCTGCAGCCGCTTGCT[C>G]AAGTCCCTCCGCAGGTAATTCTAGGTTGATGGCTGCCGTCAGTGGTGGCGCACGCTTTGC-3'
Protein context (NP_006639.3, residues 780-800): MPQAPLQPLA[Gln790Glu]VPPQMPPIPV

ClinVar aggregate classification (germline): Uncertain significance (1 of 4 stars; one submission).

Submission:

Ambry Genetics
Classification: Uncertain significance. Last evaluated: 2024-12-12. Review status: criteria provided, single submitter. Criteria: Ambry Variant Classification Scheme 2023. Collection method: clinical testing. Allele origin: germline.
Comment: The p.Q790E variant (also known as c.2368C>G), located in coding exon 10 of the WNK2 gene, results from a C to G substitution at nucleotide position 2368. The glutamine at codon 790 is replaced by glutamic acid, an amino acid with highly similar properties. This amino acid position is conserved. In addition, this alteration is predicted to be tolerated by in silico analysis. Based on the available evidence, the clinical significance of this variant remains unclear.